The following is an entry in ClinVar:

NM_001271.4(CHD2):c.4748C>T (p.Ala1583Val)

Gene: CHD2 (chromodomain helicase DNA binding protein 2; plus strand). Cytogenetic location: 15q26.1.
Variant type: single nucleotide variant.
Coding change: c.4748C>T on transcript NM_001271.4 (MANE Select); coding-DNA position 4748, C replaced by T.
Protein change: p.Ala1583Val; replaces alanine 1583 with valine.
Molecular consequence: missense variant.
Genome position (GRCh38, 1-based): chr15:93,014,751, C>T. VCF-style: chr15-93014751-C-T. GRCh37 (hg19) VCF-style: chr15-93557981-C-T.
Other names: short protein forms A1583V.
Identifiers: ClinVar variation 1974338 (VCV001974338.5), dbSNP rs759279030, ClinGen allele CA7748550.

ClinVar aggregate classification (germline): Uncertain significance (1 of 4 stars; one submission).

Conditions:
Developmental and epileptic encephalopathy 94 (DEE94). Also called: Epileptic encephalopathy, childhood-onset; CHD2-Related Neurodevelopmental Disorders. Identifiers: Orphanet 1942, Orphanet 2382, MedGen C3809278, MONDO:0014150, OMIM 615369.

Allele frequency attached by ClinVar (database versions not stated): gnomAD exomes below 0.00001; ExAC 0.00001.
gnomAD v4.1: 2 of 1,614,136 alleles (0.00012%); highest among the groups gnomAD compares: Admixed American, 0.0033%; no homozygotes.

Submission:

Labcorp Genetics (formerly Invitae), Labcorp
Classification: Uncertain significance for Developmental and epileptic encephalopathy 94. Last evaluated: 2024-06-27. Review status: criteria provided, single submitter. Criteria: Invitae Variant Classification Sherloc (09022015). Collection method: clinical testing. Allele origin: germline.
Comment: This sequence change replaces alanine, which is neutral and non-polar, with valine, which is neutral and non-polar, at codon 1583 of the CHD2 protein (p.Ala1583Val). This variant is present in population databases (rs759279030, gnomAD 0.006%). This variant has not been reported in the literature in individuals affected with CHD2-related conditions. ClinVar contains an entry for this variant (Variation ID: 1974338). Advanced modeling of protein sequence and biophysical properties (such as structural, functional, and spatial information, amino acid conservation, physicochemical variation, residue mobility, and thermodynamic stability) performed at Invitae indicates that this missense variant is not expected to disrupt CHD2 protein function with a negative predictive value of 95%. In summary, the available evidence is currently insufficient to determine the role of this variant in disease. Therefore, it has been classified as a Variant of Uncertain Significance.